The following is an entry in ClinVar:

ClinVar aggregate classification (germline): Likely benign (0 of 4 stars; one submission).

Conditions:
ACTN3-related disorder. Also called: ACTN3-related condition.

Allele frequency attached by ClinVar (database versions not stated): gnomAD exomes below 0.00001; gnomAD 0.00001.
gnomAD v4.1: 6 of 1,604,472 alleles (0.00037%); highest among the groups gnomAD compares: East Asian, 0.0022%; no homozygotes.

Submission:

PreventionGenetics, part of Exact Sciences
Classification: Likely benign for ACTN3-related condition. Last evaluated: 2019-07-15. Review status: no assertion criteria provided. Collection method: clinical testing. Allele origin: germline.
Comment: This variant is classified as likely benign based on ACMG/AMP sequence variant interpretation guidelines (Richards et al. 2015 PMID: 25741868, with internal and published modifications).

NM_001104.4(ACTN3):c.1476C>A (p.Ala492=)

Gene: ACTN3 (actinin alpha 3; plus strand). Cytogenetic location: 11q13.2.
Variant type: single nucleotide variant.
Coding change: c.1476C>A on transcript NM_001104.4 (MANE Select); coding-DNA position 1476, C replaced by A.
Protein change: p.Ala492=; no amino-acid change (alanine 492 retained).
Molecular consequence: synonymous variant.
Genome position (GRCh38, 1-based): chr11:66,560,016, C>A. VCF-style: chr11-66560016-C-A. GRCh37 (hg19) VCF-style: chr11-66327487-C-A.
Other names: c.1605C>A, p.Ala535= (NM_001258371.3).
Identifiers: ClinVar variation 3050480 (VCV003050480.2), dbSNP rs375292387, ClinGen allele CA224075252.